The following is an entry in ClinVar:

ClinVar aggregate classification (germline): Uncertain significance. Review status: criteria provided, multiple submitters, no conflicts (2 of 4 stars). 2 submissions from 2 submitters: Uncertain significance (2). Last evaluated 2024-09-15.

Conditions:
DICER1-related tumor predisposition. Also called: DICER1 syndrome; DICER1-related pleuropulmonary blastoma cancer predisposition syndrome. Identifiers: Orphanet 284343, MedGen C3839822, MONDO:0100216.
Hereditary cancer-predisposing syndrome. Also called: Hereditary neoplastic syndrome; Tumor predisposition; Neoplastic Syndromes, Hereditary; Hereditary Cancer Syndrome. Identifiers: Orphanet 140162, MedGen C0027672, MeSH D009386, MONDO:0015356.

gnomAD v4.1: 1 of 1,613,990 alleles (0.000062%); highest among the groups gnomAD compares: East Asian, 0.0022%; no homozygotes.

Submissions (2):

Labcorp Genetics (formerly Invitae), Labcorp
Classification: Uncertain significance for DICER1-related tumor predisposition. Last evaluated: 2024-09-15. Review status: criteria provided, single submitter. Criteria: Invitae Variant Classification Sherloc (09022015). Collection method: clinical testing. Allele origin: germline.
Comment: This sequence change replaces arginine, which is basic and polar, with leucine, which is neutral and non-polar, at codon 688 of the DICER1 protein (p.Arg688Leu). This variant is not present in population databases (gnomAD no frequency). This variant has not been reported in the literature in individuals affected with DICER1-related conditions. ClinVar contains an entry for this variant (Variation ID: 963942). Invitae Evidence Modeling of protein sequence and biophysical properties (such as structural, functional, and spatial information, amino acid conservation, physicochemical variation, residue mobility, and thermodynamic stability) indicates that this missense variant is not expected to disrupt DICER1 protein function with a negative predictive value of 80%. In summary, the available evidence is currently insufficient to determine the role of this variant in disease. Therefore, it has been classified as a Variant of Uncertain Significance.

Ambry Genetics
Classification: Uncertain significance for Hereditary cancer-predisposing syndrome. Last evaluated: 2021-07-16. Review status: criteria provided, single submitter. Criteria: Ambry Variant Classification Scheme 2023. Collection method: clinical testing. Allele origin: germline.
Comment: The p.R688L variant (also known as c.2063G>T), located in coding exon 12 of the DICER1 gene, results from a G to T substitution at nucleotide position 2063. The arginine at codon 688 is replaced by leucine, an amino acid with dissimilar properties. This amino acid position is highly conserved in available vertebrate species. In addition, this alteration is predicted to be deleterious by in silico analysis. Since supporting evidence is limited at this time, the clinical significance of this alteration remains unclear.

NM_177438.3(DICER1):c.2063G>T (p.Arg688Leu)

Gene: DICER1 (dicer 1, ribonuclease III; minus strand). Cytogenetic location: 14q32.13.
Variant type: single nucleotide variant.
Coding change: c.2063G>T on transcript NM_177438.3 (MANE Select); coding-DNA position 2063, G replaced by T.
Protein change: p.Arg688Leu; replaces arginine 688 with leucine.
Molecular consequence: missense variant.
Genome position (GRCh38, 1-based): chr14:95,112,225, C>A on the plus strand (G>T on the coding strand, the complement: DICER1 is on the minus strand). VCF-style: chr14-95112225-C-A. GRCh37 (hg19) VCF-style: chr14-95578562-C-A.
Other names: c.2063G>T, p.Arg688Leu (NM_001195573.1, NM_001271282.3, NM_001291628.2 and 1 more transcripts); short protein forms R688L.
Identifiers: ClinVar variation 963942 (VCV000963942.13), dbSNP rs542398644, ClinGen allele CA7331324.
Genomic context (GRCh38, chr14:95,112,225, plus strand): 5'-TCCTTACCAATTTTGTGCAGTTTCTCACAGCAAATGAGAGCTACAACTCTTTCAGCCAAT[C>A]GTACACAGCTCATTGGTGGACCCTGAAAATAACAAAAACCTTTCCATTATATATGCACAT-3'
Protein context (NP_803187.1, residues 678-698): SIVGPPMSCV[Arg688Leu]LAERVVALIC